The following is an entry in ClinVar:

ClinVar aggregate classification (germline): Uncertain significance (1 of 4 stars; one submission).

Conditions:
Familial cancer of breast. Also called: BREAST CANCER, FAMILIAL; Hereditary breast cancer; hereditary breast carcinoma. Identifiers: Orphanet 227535, MedGen C0346153, MONDO:0016419, OMIM 114480. Disease mechanism: loss of function.

Submission:

Labcorp Genetics (formerly Invitae), Labcorp
Classification: Uncertain significance for Familial cancer of breast. Last evaluated: 2023-06-09. Review status: criteria provided, single submitter. Criteria: Invitae Variant Classification Sherloc (09022015). Collection method: clinical testing. Allele origin: unknown.
Comment: In summary, the available evidence is currently insufficient to determine the role of this variant in disease. Therefore, it has been classified as a Variant of Uncertain Significance. This variant has not been reported in the literature in individuals affected with BARD1-related conditions. This variant results in a copy number gain of the genomic region encompassing exon(s) 11 of the BARD1 gene. This region includes the termination codon of the gene. This copy number gain extends beyond the assayed region for this gene and therefore may encompass additional genes. As the precise location of this event is unknown, it may be in tandem or it may be located elsewhere in the genome.

NC_000002.11:g.(?_215593400)_(215593742_?)dup

Gene: BARD1 (BRCA1 associated RING domain 1; minus strand). Cytogenetic location: 2q35.
Variant type: Duplication.
Identifiers: ClinVar variation 3247175 (VCV003247175.1).